The following is an entry in ClinVar:

NM_014611.3(MDN1):c.9010G>A (p.Glu3004Lys)

Gene: MDN1 (midasin AAA ATPase 1; minus strand). Cytogenetic location: 6q15.
Variant type: single nucleotide variant.
Coding change: c.9010G>A on transcript NM_014611.3 (MANE Select); coding-DNA position 9010, G replaced by A.
Protein change: p.Glu3004Lys; replaces glutamic acid 3004 with lysine.
Molecular consequence: missense variant.
Genome position (GRCh38, 1-based): chr6:89,699,023, C>T on the plus strand (G>A on the coding strand, the complement: MDN1 is on the minus strand). VCF-style: chr6-89699023-C-T. GRCh37 (hg19) VCF-style: chr6-90408742-C-T.
Other names: short protein forms E3004K.
Identifiers: ClinVar variation 3058924 (VCV003058924.2), dbSNP rs12530146, ClinGen allele CA3923875.

ClinVar aggregate classification (germline): Benign (0 of 4 stars; one submission).

Conditions:
MDN1-related disorder. Also called: MDN1-related condition.

Allele frequency attached by ClinVar (database versions not stated): ESP Exome Variant Server 0.07781; gnomAD exomes 0.08432; TOPMed 0.08817; gnomAD 0.08824; ExAC 0.10236; 1000 Genomes Project 30x 0.13148; 1000 Genomes Project 0.13339.
gnomAD v4.1: 137,043 of 1,611,302 alleles (8.5%); highest among the groups gnomAD compares: East Asian, 21%; 7,002 homozygotes.

Submission:

PreventionGenetics, part of Exact Sciences
Classification: Benign for MDN1-related condition. Last evaluated: 2019-10-22. Review status: no assertion criteria provided. Collection method: clinical testing. Allele origin: germline.
Comment: This variant is classified as benign based on ACMG/AMP sequence variant interpretation guidelines (Richards et al. 2015 PMID: 25741868, with internal and published modifications).